The following is an entry in ClinVar:

ClinVar aggregate classification (germline): Uncertain significance (1 of 4 stars; one submission).

Conditions:
MOGS-congenital disorder of glycosylation. Also called: MOGS-CDG; GLUCOSIDASE I DEFICIENCY; CDG IIb; CDG 2B. Identifiers: Orphanet 79330, MedGen C1853736, MONDO:0011629, OMIM 606056.

Allele frequency attached by ClinVar (database versions not stated): ExAC 0.00001.
gnomAD v4.1: 8 of 1,614,048 alleles (0.0005%); highest among the groups gnomAD compares: Non-Finnish European, 0.00034%; no homozygotes.

Submission:

Labcorp Genetics (formerly Invitae), Labcorp
Classification: Uncertain significance for MOGS-congenital disorder of glycosylation. Last evaluated: 2022-08-23. Review status: criteria provided, single submitter. Criteria: Invitae Variant Classification Sherloc (09022015). Collection method: clinical testing. Allele origin: germline.
Comment: In summary, the available evidence is currently insufficient to determine the role of this variant in disease. Therefore, it has been classified as a Variant of Uncertain Significance. Algorithms developed to predict the effect of missense changes on protein structure and function output the following: SIFT: "Tolerated"; PolyPhen-2: "Benign"; Align-GVGD: "Class C0". The threonine amino acid residue is found in multiple mammalian species, which suggests that this missense change does not adversely affect protein function. ClinVar contains an entry for this variant (Variation ID: 949850). This variant has not been reported in the literature in individuals affected with MOGS-related conditions. This variant is present in population databases (rs752804401, gnomAD 0.0009%). This sequence change replaces alanine, which is neutral and non-polar, with threonine, which is neutral and polar, at codon 254 of the MOGS protein (p.Ala254Thr).

NM_006302.3(MOGS):c.760G>A (p.Ala254Thr)

Gene: MOGS (mannosyl-oligosaccharide glucosidase; minus strand). Cytogenetic location: 2p13.1.
Variant type: single nucleotide variant.
Coding change: c.760G>A on transcript NM_006302.3 (MANE Select); coding-DNA position 760, G replaced by A.
Protein change: p.Ala254Thr; replaces alanine 254 with threonine.
Molecular consequence: missense variant.
Genome position (GRCh38, 1-based): chr2:74,463,206, C>T on the plus strand (G>A on the coding strand, the complement: MOGS is on the minus strand). VCF-style: chr2-74463206-C-T. GRCh37 (hg19) VCF-style: chr2-74690333-C-T.
Other names: c.442G>A, p.Ala148Thr (NM_001146158.2); short protein forms A148T, A254T.
Identifiers: ClinVar variation 949850 (VCV000949850.10), dbSNP rs752804401, ClinGen allele CA1724948.